The following is an entry in ClinVar:

NM_002519.3(NPAT):c.75G>C (p.Gln25His)

Gene: NPAT (nuclear protein, coactivator of histone transcription; minus strand). Cytogenetic location: 11q22.3.
Variant type: single nucleotide variant.
Coding change: c.75G>C on transcript NM_002519.3 (MANE Select); coding-DNA position 75, G replaced by C.
Protein change: p.Gln25His; replaces glutamine 25 with histidine.
Molecular consequence: missense variant.
Genome position (GRCh38, 1-based): chr11:108,197,383, C>G on the plus strand (G>C on the coding strand, the complement: NPAT is on the minus strand). VCF-style: chr11-108197383-C-G. GRCh37 (hg19) VCF-style: chr11-108068110-C-G.
Other names: c.75G>C, p.Gln25His (NM_001321307.1); short protein forms Q25H.
Identifiers: ClinVar variation 3300726 (VCV003300726.1).
Genomic context (GRCh38, chr11:108,197,383, plus strand): 5'-CCCTTCATCTGTACAATGTTCTGCATATTCTTTTAAATCTGAACTTTCCAAAATAAAAGT[C>G]TGGCAGGTAGAAATGAGGTTTTCTTGCTGTAAGTAACCTAAATAAAAAATAAAAGTTTAG-3'
Protein context (NP_002510.2, residues 15-35): LQQENLISTC[Gln25His]TFILESSDLK

ClinVar aggregate classification (germline): Uncertain significance (1 of 4 stars; one submission).

Submission:

Ambry Genetics
Classification: Uncertain significance. Last evaluated: 2024-06-19. Review status: criteria provided, single submitter. Criteria: Ambry Variant Classification Scheme 2023. Collection method: clinical testing. Allele origin: germline.
Comment: The p.Q25H variant (also known as c.75G>C), located in coding exon 2 of the NPAT gene, results from a G to C substitution at nucleotide position 75. The glutamine at codon 25 is replaced by histidine, an amino acid with highly similar properties. This amino acid position is conserved. In addition, this alteration is predicted to be tolerated by in silico analysis. Based on the available evidence, the clinical significance of this variant remains unclear.